The following is an entry in ClinVar:

ClinVar aggregate classification (germline): Uncertain significance (1 of 4 stars; one submission).

Conditions:
Hereditary cancer-predisposing syndrome. Also called: Tumor predisposition; Neoplastic Syndromes, Hereditary; Hereditary neoplastic syndrome; Hereditary Cancer Syndrome. Identifiers: Orphanet 140162, MedGen C0027672, MeSH D009386, MONDO:0015356.

Submission:

Ambry Genetics
Classification: Uncertain significance for Hereditary cancer-predisposing syndrome. Last evaluated: 2025-08-27. Review status: criteria provided, single submitter. Criteria: Ambry Variant Classification Scheme 2023. Collection method: clinical testing. Allele origin: germline.
Comment: The p.T336S variant (also known as c.1006A>T), located in coding exon 12 of the MUTYH gene, results from an A to T substitution at nucleotide position 1006. The threonine at codon 336 is replaced by serine, an amino acid with similar properties. This amino acid position is conserved. In addition, this alteration is predicted to be tolerated by in silico analysis. Based on the available evidence, the clinical significance of this variant remains unclear.

NM_001048174.2(MUTYH):c.922A>T (p.Thr308Ser)

Gene: MUTYH (mutY DNA glycosylase; minus strand). Cytogenetic location: 1p34.1.
Variant type: single nucleotide variant.
Coding change: c.922A>T on transcript NM_001048174.2 (MANE Select); coding-DNA position 922, A replaced by T.
Protein change: p.Thr308Ser; replaces threonine 308 with serine.
Molecular consequence: missense variant. On other transcripts: non-coding transcript variant (7).
Genome position (GRCh38, 1-based): chr1:45,331,841, T>A on the plus strand (A>T on the coding strand, the complement: MUTYH is on the minus strand). VCF-style: chr1-45331841-T-A. GRCh37 (hg19) VCF-style: chr1-45797513-T-A.
Other names: c.1006A>T, p.Thr336Ser (NM_001128425.2); c.967A>T, p.Thr323Ser (NM_001293190.2); c.955A>T, p.Thr319Ser (NM_001293191.2, NM_001407069.1, NM_001407077.1); c.646A>T, p.Thr216Ser (NM_001293192.2, NM_001293196.2, NM_001407091.1); c.922A>T, p.Thr308Ser (NM_001293195.2, NM_001407088.1, NM_001407089.1 and 6 more transcripts); c.577A>T, p.Thr193Ser (NM_001350650.2, NM_001350651.2, NM_001407082.1); c.964A>T, p.Thr322Ser (NM_001407083.1, NM_001407085.1); c.925A>T, p.Thr309Ser (NM_001407086.1, NM_001048172.2, NM_001407071.1 and 1 more transcripts); and 5 more; short protein forms T216S, T295S, T323S, T193S, T336S, T280S, T294S, T315S.
Identifiers: ClinVar variation 4112914 (VCV004112914.1).